The following is an entry in ClinVar:

NM_000925.4(PDHB):c.641C>T (p.Pro214Leu)

Gene: PDHB (pyruvate dehydrogenase E1 subunit beta; minus strand). Cytogenetic location: 3p14.3.
Variant type: single nucleotide variant.
Coding change: c.641C>T on transcript NM_000925.4 (MANE Select); coding-DNA position 641, C replaced by T.
Protein change: p.Pro214Leu; replaces proline 214 with leucine.
Molecular consequence: missense variant. On other transcripts: non-coding transcript variant (1).
Genome position (GRCh38, 1-based): chr3:58,430,187, G>A on the plus strand (C>T on the coding strand, the complement: PDHB is on the minus strand). VCF-style: chr3-58430187-G-A. GRCh37 (hg19) VCF-style: chr3-58415914-G-A.
Other names: c.587C>T, p.Pro196Leu (NM_001173468.2, NM_001315536.2); short protein forms P214L, P196L.
Identifiers: ClinVar variation 346407 (VCV000346407.6), dbSNP rs752056463, ClinGen allele CA2471518.
Genomic context (GRCh38, chr3:58,430,187, plus strand): 5'-CCTTGCCTTTCTATTTTGGCTTTTCCAATAGGAATCAGAAAATCTTTTGACTGAGCTTCC[G>A]GAGGAAATTCAAAAGGAACCCCATACATCAATTCATTCTCTAGCACCACCACTGAAAAAC-3'
Protein context (NP_000916.2, residues 204-224): LMYGVPFEFP[Pro214Leu]EAQSKDFLIP

ClinVar aggregate classification (germline): Uncertain significance. Review status: criteria provided, multiple submitters, no conflicts (2 of 4 stars). 2 submissions from 2 submitters: Uncertain significance (2). Last evaluated 2022-01-28.

Conditions:
Pyruvate dehydrogenase E1-beta deficiency (PDHBD). Identifiers: Orphanet 255138, Orphanet 765, MedGen C3279841, MONDO:0013580, OMIM 614111.

Allele frequency attached by ClinVar (database versions not stated): ExAC 0.00002; gnomAD exomes 0.00002; TOPMed 0.00002; gnomAD 0.00003.
gnomAD v4.1: 34 of 1,612,714 alleles (0.0021%); highest among the groups gnomAD compares: South Asian, 0.018%; no homozygotes.

Submissions (2):

Labcorp Genetics (formerly Invitae), Labcorp
Classification: Uncertain significance for Pyruvate dehydrogenase E1-beta deficiency. Last evaluated: 2022-01-28. Review status: criteria provided, single submitter. Criteria: Invitae Variant Classification Sherloc (09022015). Collection method: clinical testing. Allele origin: germline.
Comment: This sequence change replaces proline, which is neutral and non-polar, with leucine, which is neutral and non-polar, at codon 214 of the PDHB protein (p.Pro214Leu). The frequency data for this variant in the population databases is considered unreliable, as metrics indicate poor data quality at this position in the gnomAD database. This variant has not been reported in the literature in individuals affected with PDHB-related conditions. ClinVar contains an entry for this variant (Variation ID: 346407). Algorithms developed to predict the effect of missense changes on protein structure and function (SIFT, PolyPhen-2, Align-GVGD) all suggest that this variant is likely to be tolerated. In summary, the available evidence is currently insufficient to determine the role of this variant in disease. Therefore, it has been classified as a Variant of Uncertain Significance.

Illumina Laboratory Services, Illumina
Classification: Uncertain significance for Pyruvate dehydrogenase E1-beta deficiency. Last evaluated: 2018-01-12. Review status: criteria provided, single submitter. Criteria: ICSL Variant Classification Criteria 13 December 2019. Collection method: clinical testing. Allele origin: germline.